The following is an entry in ClinVar:

ClinVar aggregate classification (germline): Uncertain significance (1 of 4 stars; one submission).

Submission:

GeneDx
Classification: Uncertain significance. Last evaluated: 2024-06-04. Review status: criteria provided, single submitter. Criteria: GeneDx Variant Classification Process June 2021. Collection method: clinical testing. Allele origin: germline. Affected: yes.
Comment: Reported using an alternate transcript of the gene; Has not been previously published as pathogenic or benign to our knowledge; Not observed at significant frequency in large population cohorts (gnomAD); Frameshift variant predicted to result in protein truncation or nonsense mediated decay in a gene or region of a gene for which loss of function is not a well-established mechanism of disease

NM_000093.5(COL5A1):c.5136+126del

Genes: COL5A1 (collagen type V alpha 1 chain; plus strand), LOC101448202 (uncharacterized LOC101448202; minus strand). Cytogenetic location: 9q34.3.
Variant type: Deletion.
Coding change: c.5136+126del on transcript NM_000093.5 (MANE Select); 126 bases into the intron after coding-DNA position 5136, one base deleted (G; older notation c.5136+126delG).
Molecular consequence: intron variant. On other transcripts: frameshift variant (1).
Genome position (GRCh38, 1-based): chr9:134,830,170, G deleted; the last of 5 consecutive G bases (chr9:134,830,166-134,830,170); deleting any one gives the same sequence. VCF-style (leftmost placement, unchanged base first): chr9-134830165-CG-C. GRCh37 (hg19) VCF-style: chr9-137722011-CG-C.
Other names: c.5130del, p.Ser1711fs (NM_001278074.1); short protein forms S1711fs.
Identifiers: ClinVar variation 3384347 (VCV003384347.1).